The following is an entry in ClinVar:

ClinVar aggregate classification (germline): Uncertain significance. Review status: criteria provided, multiple submitters, no conflicts (2 of 4 stars). 3 submissions from 3 submitters: Uncertain significance (3). Last evaluated 2025-04-25.

Conditions:
Inborn genetic diseases. Identifiers: MedGen C0950123, MeSH D030342.
Fetal akinesia deformation sequence 1 (FADS1). Also called: Fetal akinesia sequence; Pena-Shokeir syndrome type I. Identifiers: Orphanet 994, MedGen C1276035, MONDO:0100101, OMIM 208150, HP:0001989.
Congenital myasthenic syndrome 10. Also called: Myasthenia, limb-girdle, familial. Identifiers: Orphanet 590, MedGen C1850792, MONDO:0009690, OMIM 254300.

Allele frequency attached by ClinVar (database versions not stated): gnomAD exomes 0.00001 and 0.00004; gnomAD 0.00004 and 0.00005; TOPMed 0.00005; ExAC 0.00006.
gnomAD v4.1: 22 of 1,584,156 alleles (0.0014%); highest among the groups gnomAD compares: Middle Eastern, 0.023%; no homozygotes.

Submissions (3):

Ambry Genetics
Classification: Uncertain significance for Inborn genetic diseases. Last evaluated: 2025-04-25. Review status: criteria provided, single submitter. Criteria: Ambry Variant Classification Scheme 2023. Collection method: clinical testing. Allele origin: germline.

Revvity Omics, Revvity
Classification: Uncertain significance. Last evaluated: 2024-12-26. Review status: criteria provided, single submitter. Criteria: ACMG Guidelines, 2015. Collection method: clinical testing. Allele origin: germline.

Labcorp Genetics (formerly Invitae), Labcorp
Classification: Uncertain significance for Congenital myasthenic syndrome 10; Fetal akinesia deformation sequence 1. Last evaluated: 2021-09-01. Review status: criteria provided, single submitter. Criteria: Invitae Variant Classification Sherloc (09022015). Collection method: clinical testing. Allele origin: germline.
Comment: This sequence change replaces arginine with histidine at codon 105 of the DOK7 protein (p.Arg105His). The arginine residue is highly conserved and there is a small physicochemical difference between arginine and histidine. This variant is present in population databases (rs776352781, ExAC 0.08%). This variant has not been reported in the literature in individuals affected with DOK7-related conditions. Algorithms developed to predict the effect of missense changes on protein structure and function are either unavailable or do not agree on the potential impact of this missense change (SIFT: "Deleterious"; PolyPhen-2: "Probably Damaging"; Align-GVGD: "Class C0"). In summary, the available evidence is currently insufficient to determine the role of this variant in disease. Therefore, it has been classified as a Variant of Uncertain Significance.

NM_173660.5(DOK7):c.314G>A (p.Arg105His)

Gene: DOK7 (docking protein 7; plus strand). Cytogenetic location: 4p16.3.
Variant type: single nucleotide variant.
Coding change: c.314G>A on transcript NM_173660.5 (MANE Select); coding-DNA position 314, G replaced by A.
Protein change: p.Arg105His; replaces arginine 105 with histidine.
Molecular consequence: missense variant. On other transcripts: intron variant (1).
Genome position (GRCh38, 1-based): chr4:3,473,619, G>A. VCF-style: chr4-3473619-G-A. GRCh37 (hg19) VCF-style: chr4-3475346-G-A.
Other names: c.314G>A, p.Arg105His (NM_001164673.2, NM_001301071.2); c.100+10068G>A (NM_001363811.2); c.314G>A (NM_173660.4); short protein forms R105H.
Identifiers: ClinVar variation 1503294 (VCV001503294.8), dbSNP rs776352781, ClinGen allele CA2828928.